The following is an entry in ClinVar:

ClinVar aggregate classification (germline): Uncertain significance (1 of 4 stars; one submission).

Allele frequency attached by ClinVar (database versions not stated): gnomAD exomes below 0.00001; ExAC 0.00001.

Submission:

Labcorp Genetics (formerly Invitae), Labcorp
Classification: Uncertain significance. Last evaluated: 2021-08-11. Review status: criteria provided, single submitter. Criteria: Invitae Variant Classification Sherloc (09022015). Collection method: clinical testing. Allele origin: germline.
Comment: This sequence change replaces glycine with serine at codon 140 of the SC5D protein (p.Gly140Ser). The glycine residue is highly conserved and there is a small physicochemical difference between glycine and serine. This variant is present in population databases (rs770048983, ExAC 0.002%). This variant has not been reported in the literature in individuals affected with SC5D-related conditions. Algorithms developed to predict the effect of missense changes on protein structure and function (SIFT, PolyPhen-2, Align-GVGD) all suggest that this variant is likely to be tolerated. In summary, the available evidence is currently insufficient to determine the role of this variant in disease. Therefore, it has been classified as a Variant of Uncertain Significance.

NM_006918.5(SC5D):c.418G>A (p.Gly140Ser)

Gene: SC5D (sterol-C5-desaturase; plus strand). Cytogenetic location: 11q24.1.
Variant type: single nucleotide variant.
Coding change: c.418G>A on transcript NM_006918.5 (MANE Select); coding-DNA position 418, G replaced by A.
Protein change: p.Gly140Ser; replaces glycine 140 with serine.
Molecular consequence: missense variant.
Genome position (GRCh38, 1-based): chr11:121,306,460, G>A. VCF-style: chr11-121306460-G-A. GRCh37 (hg19) VCF-style: chr11-121177169-G-A.
Other names: c.418G>A, p.Gly140Ser (NM_001024956.3); short protein forms G140S.
Identifiers: ClinVar variation 1460511 (VCV001460511.3), dbSNP rs770048983, ClinGen allele CA6328132.